The following is an entry in ClinVar:

ClinVar aggregate classification (germline): Uncertain significance (1 of 4 stars; one submission).

Conditions:
Holoprosencephaly 11 (HPE11). Identifiers: Orphanet 2162, MedGen C3280215, MONDO:0013642, OMIM 614226.

Submission:

Labcorp Genetics (formerly Invitae), Labcorp
Classification: Uncertain significance for Holoprosencephaly 11. Last evaluated: 2024-04-03. Review status: criteria provided, single submitter. Criteria: Invitae Variant Classification Sherloc (09022015). Collection method: clinical testing. Allele origin: germline.
Comment: This sequence change replaces isoleucine, which is neutral and non-polar, with asparagine, which is neutral and polar, at codon 832 of the CDON protein (p.Ile832Asn). This variant is not present in population databases (gnomAD no frequency). This variant has not been reported in the literature in individuals affected with CDON-related conditions. Algorithms developed to predict the effect of missense changes on protein structure and function (SIFT, PolyPhen-2, Align-GVGD) all suggest that this variant is likely to be disruptive. In summary, the available evidence is currently insufficient to determine the role of this variant in disease. Therefore, it has been classified as a Variant of Uncertain Significance.

NM_001378964.1(CDON):c.2495T>A (p.Ile832Asn)

Gene: CDON (cell adhesion associated, oncogene regulated; minus strand). Cytogenetic location: 11q24.2.
Variant type: single nucleotide variant.
Coding change: c.2495T>A on transcript NM_001378964.1 (MANE Select); coding-DNA position 2495, T replaced by A.
Protein change: p.Ile832Asn; replaces isoleucine 832 with asparagine.
Molecular consequence: missense variant.
Genome position (GRCh38, 1-based): chr11:125,994,920, A>T on the plus strand (T>A on the coding strand, the complement: CDON is on the minus strand). VCF-style: chr11-125994920-A-T. GRCh37 (hg19) VCF-style: chr11-125864815-A-T.
Other names: c.2495T>A, p.Ile832Asn (NM_001243597.3, NM_016952.6); short protein forms I832N.
Identifiers: ClinVar variation 3679418 (VCV003679418.2).